The following is an entry in ClinVar:

NM_001382347.1(MYO5A):c.1825C>T (p.Arg609Cys)

Gene: MYO5A (myosin VA; minus strand). Cytogenetic location: 15q21.2.
Variant type: single nucleotide variant.
Coding change: c.1825C>T on transcript NM_001382347.1 (MANE Select); coding-DNA position 1825, C replaced by T.
Protein change: p.Arg609Cys; replaces arginine 609 with cysteine.
Molecular consequence: missense variant.
Genome position (GRCh38, 1-based): chr15:52,384,250, G>A on the plus strand (C>T on the coding strand, the complement: MYO5A is on the minus strand). VCF-style: chr15-52384250-G-A. GRCh37 (hg19) VCF-style: chr15-52676447-G-A.
Other names: c.1825C>T, p.Arg609Cys (NM_000259.3, NM_001142495.2, NM_001411135.1); c.1897C>T, p.Arg633Cys (NM_001382348.1, NM_001382349.1); short protein forms R609C, R633C.
Identifiers: ClinVar variation 2576660 (VCV002576660.1), dbSNP rs192993048, ClinGen allele CA7568888.

ClinVar aggregate classification (germline): Uncertain significance (1 of 4 stars; one submission).

Allele frequency attached by ClinVar (database versions not stated): gnomAD exomes 0.00007; TOPMed 0.00010; ExAC 0.00011; 1000 Genomes Project 0.00060; 1000 Genomes Project 30x 0.00078.
gnomAD v4.1: 115 of 1,614,164 alleles (0.0071%); highest among the groups gnomAD compares: East Asian, 0.13%; 1 homozygote.

Submission:

GeneDx
Classification: Uncertain significance. Last evaluated: 2023-02-18. Review status: criteria provided, single submitter. Criteria: GeneDx Variant Classification Process June 2021. Collection method: clinical testing. Allele origin: germline. Affected: yes.
Comment: In silico analysis supports that this missense variant has a deleterious effect on protein structure/function; Has not been previously published as pathogenic or benign to our knowledge